The following is an entry in ClinVar:

ClinVar aggregate classification (germline): Uncertain significance (1 of 4 stars; one submission).

Conditions:
Spastic paraplegia. Identifiers: MedGen C0037772, HP:0001258.

gnomAD v4.1: 3 of 1,613,792 alleles (0.00019%); highest among the groups gnomAD compares: South Asian, 0.0011%; no homozygotes.

Submission:

Labcorp Genetics (formerly Invitae), Labcorp
Classification: Uncertain significance for Spastic paraplegia. Last evaluated: 2023-09-06. Review status: criteria provided, single submitter. Criteria: Invitae Variant Classification Sherloc (09022015). Collection method: clinical testing. Allele origin: germline.
Comment: This sequence change replaces proline, which is neutral and non-polar, with alanine, which is neutral and non-polar, at codon 55 of the KIF5A protein (p.Pro55Ala). This variant is not present in population databases (gnomAD no frequency). This variant has not been reported in the literature in individuals affected with KIF5A-related conditions. Advanced modeling of protein sequence and biophysical properties (such as structural, functional, and spatial information, amino acid conservation, physicochemical variation, residue mobility, and thermodynamic stability) has been performed at Invitae for this missense variant, however the output from this modeling did not meet the statistical confidence thresholds required to predict the impact of this variant on KIF5A protein function. In summary, the available evidence is currently insufficient to determine the role of this variant in disease. Therefore, it has been classified as a Variant of Uncertain Significance.

NM_004984.4(KIF5A):c.163C>G (p.Pro55Ala)

Gene: KIF5A (kinesin family member 5A; plus strand). Cytogenetic location: 12q13.3.
Variant type: single nucleotide variant.
Coding change: c.163C>G on transcript NM_004984.4 (MANE Select); coding-DNA position 163, C replaced by G.
Protein change: p.Pro55Ala; replaces proline 55 with alanine.
Molecular consequence: missense variant. On other transcripts: intron variant (1).
Genome position (GRCh38, 1-based): chr12:57,563,472, C>G. VCF-style: chr12-57563472-C-G. GRCh37 (hg19) VCF-style: chr12-57957255-C-G.
Other names: c.130-988C>G (NM_001354705.2); short protein forms P55A.
Identifiers: ClinVar variation 2916347 (VCV002916347.3), dbSNP rs1169287923, ClinGen allele CA385492447.